The following is an entry in ClinVar:

NM_001130144.3(LTBP3):c.580C>T (p.Pro194Ser)

Gene: LTBP3 (latent transforming growth factor beta binding protein 3; minus strand). Cytogenetic location: 11q13.1.
Variant type: single nucleotide variant.
Coding change: c.580C>T on transcript NM_001130144.3 (MANE Select); coding-DNA position 580, C replaced by T.
Protein change: p.Pro194Ser; replaces proline 194 with serine.
Molecular consequence: missense variant.
Genome position (GRCh38, 1-based): chr11:65,554,132, G>A on the plus strand (C>T on the coding strand, the complement: LTBP3 is on the minus strand). VCF-style: chr11-65554132-G-A. GRCh37 (hg19) VCF-style: chr11-65321603-G-A.
Other names: c.229C>T, p.Pro77Ser (NM_001164266.1); c.580C>T, p.Pro194Ser (NM_021070.4); short protein forms P194S, P77S.
Identifiers: ClinVar variation 2173486 (VCV002173486.4), dbSNP rs1167243352, ClinGen allele CA381276336.

ClinVar aggregate classification (germline): Uncertain significance (1 of 4 stars; one submission).

Conditions:
Brachyolmia-amelogenesis imperfecta syndrome. Also called: PLATYSPONDYLY WITH AMELOGENESIS IMPERFECTA; Tooth agenesis, selective, 6; Dental anomalies and short stature. Identifiers: Orphanet 2899, MedGen C1832594, MONDO:0011018, OMIM 601216. Disease mechanism: loss of function.

Allele frequency attached by ClinVar (database versions not stated): gnomAD exomes 0.00001; TOPMed 0.00002; gnomAD 0.00003.
gnomAD v4.1: 13 of 1,611,628 alleles (0.00081%); highest among the groups gnomAD compares: Middle Eastern, 0.033%; no homozygotes.

Submission:

Labcorp Genetics (formerly Invitae), Labcorp
Classification: Uncertain significance for Brachyolmia-amelogenesis imperfecta syndrome. Last evaluated: 2024-04-29. Review status: criteria provided, single submitter. Criteria: Invitae Variant Classification Sherloc (09022015). Collection method: clinical testing. Allele origin: germline.
Comment: This sequence change replaces proline, which is neutral and non-polar, with serine, which is neutral and polar, at codon 194 of the LTBP3 protein (p.Pro194Ser). This variant is not present in population databases (gnomAD no frequency). This variant has not been reported in the literature in individuals affected with LTBP3-related conditions. ClinVar contains an entry for this variant (Variation ID: 2173486). An algorithm developed to predict the effect of missense changes on protein structure and function (PolyPhen-2) suggests that this variant is likely to be tolerated. In summary, the available evidence is currently insufficient to determine the role of this variant in disease. Therefore, it has been classified as a Variant of Uncertain Significance.